The following is an entry in ClinVar:

NM_001329943.3(KIAA0586):c.1852C>G (p.Pro618Ala)

Gene: KIAA0586 (KIAA0586; plus strand). Cytogenetic location: 14q23.1.
Variant type: single nucleotide variant.
Coding change: c.1852C>G on transcript NM_001329943.3 (MANE Select); coding-DNA position 1852, C replaced by G.
Protein change: p.Pro618Ala; replaces proline 618 with alanine.
Molecular consequence: missense variant. On other transcripts: intron variant (1).
Genome position (GRCh38, 1-based): chr14:58,460,038, C>G. VCF-style: chr14-58460038-C-G. GRCh37 (hg19) VCF-style: chr14-58926756-C-G.
Other names: c.2011C>G, p.Pro671Ala (NM_001244189.2); c.1807C>G, p.Pro603Ala (NM_001244190.2); c.1597C>G, p.Pro533Ala (NM_001244191.2, NM_001329945.2, NM_001364700.1 and 1 more transcripts); c.1720C>G, p.Pro574Ala (NM_001244192.2); c.1432C>G, p.Pro478Ala (NM_001244193.2); c.1852C>G, p.Pro618Ala (NM_001329944.2, NM_001329946.2, NM_001329947.2); c.1657-948C>G (NM_014749.5); short protein forms P603A, P478A, P574A, P533A, P618A, P671A.
Identifiers: ClinVar variation 2195756 (VCV002195756.2), dbSNP rs1217501787, ClinGen allele CA389871691.

ClinVar aggregate classification (germline): Uncertain significance (1 of 4 stars; one submission).

Conditions:
Short-rib thoracic dysplasia 14 with polydactyly (SRTD14). Identifiers: Orphanet 397715, MedGen C4225286, MONDO:0014688, OMIM 616546.
Joubert syndrome 23 (JBTS23). Identifiers: Orphanet 475, MedGen C4084822, MONDO:0014664, OMIM 616490.

Allele frequency attached by ClinVar (database versions not stated): TOPMed below 0.00001; gnomAD 0.00001; gnomAD exomes 0.00001.
gnomAD v4.1: 8 of 1,529,696 alleles (0.00052%); highest among the groups gnomAD compares: Admixed American, 0.016%; no homozygotes.

Submission:

Labcorp Genetics (formerly Invitae), Labcorp
Classification: Uncertain significance for Joubert syndrome 23; Short-rib thoracic dysplasia 14 with polydactyly. Last evaluated: 2024-02-17. Review status: criteria provided, single submitter. Criteria: Invitae Variant Classification Sherloc (09022015). Collection method: clinical testing. Allele origin: germline.
Comment: This sequence change replaces proline, which is neutral and non-polar, with alanine, which is neutral and non-polar, at codon 671 of the KIAA0586 protein (p.Pro671Ala). This variant is not present in population databases (gnomAD no frequency). This variant has not been reported in the literature in individuals affected with KIAA0586-related conditions. ClinVar contains an entry for this variant (Variation ID: 2195756). Advanced modeling of protein sequence and biophysical properties (such as structural, functional, and spatial information, amino acid conservation, physicochemical variation, residue mobility, and thermodynamic stability) performed at Invitae indicates that this missense variant is not expected to disrupt KIAA0586 protein function with a negative predictive value of 80%. In summary, the available evidence is currently insufficient to determine the role of this variant in disease. Therefore, it has been classified as a Variant of Uncertain Significance.